The following is an entry in ClinVar:

NM_002582.4(PARN):c.1081+3A>G

Gene: PARN (poly(A)-specific ribonuclease; minus strand). Cytogenetic location: 16p13.12.
Variant type: single nucleotide variant.
Coding change: c.1081+3A>G on transcript NM_002582.4 (MANE Select); 3 bases into the intron after coding-DNA position 1081, A replaced by G.
Molecular consequence: intron variant.
Genome position (GRCh38, 1-based): chr16:14,584,344, T>C on the plus strand (A>G on the coding strand, the complement: PARN is on the minus strand). VCF-style: chr16-14584344-T-C. GRCh37 (hg19) VCF-style: chr16-14678201-T-C.
Other names: c.898+3A>G (NM_001134477.3); c.943+3A>G (NM_001242992.2).
Identifiers: ClinVar variation 2931699 (VCV002931699.3), dbSNP rs2507859687, ClinGen allele CA2631855627.

ClinVar aggregate classification (germline): Uncertain significance (1 of 4 stars; one submission).

Conditions:
Dyskeratosis congenita, autosomal recessive 6 (DKCB6). Identifiers: MedGen C4225356, MONDO:0014600, OMIM 616353.
Pulmonary fibrosis and/or bone marrow failure, Telomere-related, 4. Also called: PULMONARY FIBROSIS AND/OR BONE MARROW FAILURE SYNDROME, TELOMERE-RELATED, 4. Identifiers: Orphanet 2032, MedGen C4225347, MONDO:0014612, OMIM 616371.

Allele frequency attached by ClinVar (database versions not stated): gnomAD exomes below 0.00001.
gnomAD v4.1: 3 of 1,601,000 alleles (0.00019%); highest among the groups gnomAD compares: Non-Finnish European, 0.00026%; no homozygotes.

Submission:

Labcorp Genetics (formerly Invitae), Labcorp
Classification: Uncertain significance for Dyskeratosis congenita, autosomal recessive 6; Pulmonary fibrosis and/or bone marrow failure, Telomere-related, 4. Last evaluated: 2022-11-10. Review status: criteria provided, single submitter. Criteria: Invitae Variant Classification Sherloc (09022015). Collection method: clinical testing. Allele origin: germline.
Comment: This sequence change falls in intron 16 of the PARN gene. It does not directly change the encoded amino acid sequence of the PARN protein. It affects a nucleotide within the consensus splice site. This variant is not present in population databases (gnomAD no frequency). This variant has not been reported in the literature in individuals affected with PARN-related conditions. Variants that disrupt the consensus splice site are a relatively common cause of aberrant splicing (PMID: 17576681, 9536098). Algorithms developed to predict the effect of sequence changes on RNA splicing suggest that this variant is not likely to affect RNA splicing. In summary, the available evidence is currently insufficient to determine the role of this variant in disease. Therefore, it has been classified as a Variant of Uncertain Significance.

Literature cited by the submitters: PubMed 17576681; PubMed 9536098.